The following is an entry in ClinVar:

ClinVar aggregate classification (germline): Uncertain significance. Review status: criteria provided, multiple submitters, no conflicts (2 of 4 stars). 3 submissions from 3 submitters: Uncertain significance (3). Last evaluated 2025-11-25.

Allele frequency attached by ClinVar (database versions not stated): gnomAD exomes 0.00003 and 0.00013; ExAC 0.00005; gnomAD 0.00010; 1000 Genomes Project 30x 0.00016; TOPMed 0.00016; 1000 Genomes Project 0.00020.
gnomAD v4.1: 62 of 1,574,278 alleles (0.0039%); highest among the groups gnomAD compares: Admixed American, 0.08%; no homozygotes.

Submissions (3):

Labcorp Genetics (formerly Invitae), Labcorp
Classification: Uncertain significance. Last evaluated: 2025-11-25. Review status: criteria provided, single submitter. Criteria: Invitae Variant Classification Sherloc (09022015). Collection method: clinical testing. Allele origin: germline.
Comment: This sequence change replaces lysine, which is basic and polar, with arginine, which is basic and polar, at codon 348 of the IRF2BP2 protein (p.Lys348Arg). The frequency data for this variant in the population databases is considered unreliable, as metrics indicate poor data quality at this position in the gnomAD database. This variant has not been reported in the literature in individuals affected with IRF2BP2-related conditions. ClinVar contains an entry for this variant (Variation ID: 1008668). An algorithm developed to predict the effect of missense changes on protein structure and function (PolyPhen-2) suggests that this variant is likely to be tolerated. In summary, the available evidence is currently insufficient to determine the role of this variant in disease. Therefore, it has been classified as a Variant of Uncertain Significance.

Ambry Genetics
Classification: Uncertain significance. Last evaluated: 2024-12-23. Review status: criteria provided, single submitter. Criteria: Ambry Variant Classification Scheme 2023. Collection method: clinical testing. Allele origin: germline.

Mayo Clinic Laboratories, Mayo Clinic
Classification: Uncertain significance. Last evaluated: 2024-02-20. Review status: criteria provided, single submitter. Criteria: ACMG Guidelines, 2015. Collection method: clinical testing. Allele origin: germline. Observed: 1 variant allele.
Comment: BP4

NM_182972.3(IRF2BP2):c.1043A>G (p.Lys348Arg)

Genes: IRF2BP2 (interferon regulatory factor 2 binding protein 2; minus strand), LOC129932810 (ATAC-STARR-seq lymphoblastoid active region 2760; plus strand). Cytogenetic location: 1q42.3.
Variant type: single nucleotide variant.
Coding change: c.1043A>G on transcript NM_182972.3 (MANE Select); coding-DNA position 1043, A replaced by G.
Protein change: p.Lys348Arg; replaces lysine 348 with arginine.
Molecular consequence: missense variant. On other transcripts: intron variant (1).
Genome position (GRCh38, 1-based): chr1:234,608,452, T>C on the plus strand (A>G on the coding strand, the complement: IRF2BP2 is on the minus strand). VCF-style: chr1-234608452-T-C. GRCh37 (hg19) VCF-style: chr1-234744198-T-C.
Other names: p.Lys348Arg; c.1000+43A>G (NM_001077397.1); c.1043A>G (NM_182972.2); short protein forms K348R.
Identifiers: ClinVar variation 1008668 (VCV001008668.7), dbSNP rs561592213, ClinGen allele CA1461691.